The following is an entry in ClinVar:

NM_052867.4(NALCN):c.1144C>T (p.Arg382Trp)

Genes: NALCN (sodium leak channel, non-selective; minus strand), LOC126861831 (P300/CBP strongly-dependent group 1 enhancer GRCh37_chr13:101909917-101911116; plus strand). Cytogenetic location: 13q33.1.
Variant type: single nucleotide variant.
Coding change: c.1144C>T on transcript NM_052867.4 (MANE Select); coding-DNA position 1144, C replaced by T.
Protein change: p.Arg382Trp; replaces arginine 382 with tryptophan.
Molecular consequence: missense variant.
Genome position (GRCh38, 1-based): chr13:101,258,565, G>A on the plus strand (C>T on the coding strand, the complement: NALCN is on the minus strand). VCF-style: chr13-101258565-G-A. GRCh37 (hg19) VCF-style: chr13-101910916-G-A.
Other names: p.Arg382Trp; c.1144C>T, p.Arg382Trp (NM_001350748.2, NM_001350749.2); c.1057C>T, p.Arg353Trp (NM_001350750.2, NM_001350751.2); short protein forms R353W, R382W.
Identifiers: ClinVar variation 3380165 (VCV003380165.1).
Genomic context (GRCh38, chr13:101,258,565, plus strand): 5'-CCGCCACGATCACGTCCACGGTCACCATGCTCAGGATGAACATGTGGAAAACGGATGACC[G>A]CATCATTTTCTGAGGGGGCGAAACAGACAGACTCTTAACAAAGAAATAAACCTCATGATT-3'
Protein context (NP_443099.1, residues 372-392): RAPACLQKMM[Arg382Trp]SSVFHMFILS

ClinVar aggregate classification (germline): Uncertain significance (1 of 4 stars; one submission).

gnomAD v4.1: 1 of 1,614,092 alleles (0.000062%); highest among the groups gnomAD compares: Non-Finnish European, 0.000085%; no homozygotes.

Submission:

Mayo Clinic Laboratories, Mayo Clinic
Classification: Uncertain significance. Last evaluated: 2023-10-31. Review status: criteria provided, single submitter. Criteria: ACMG Guidelines, 2015. Collection method: clinical testing. Allele origin: germline. Observed: 1 variant allele.
Comment: PP2, PP3